The following is an entry in ClinVar:

NM_005861.4(STUB1):c.612+53G>A

Genes: JMJD8 (jumonji domain containing 8; minus strand), STUB1 (STIP1 homology and U-box containing protein 1; plus strand). Cytogenetic location: 16p13.3.
Variant type: single nucleotide variant.
Coding change: c.612+53G>A on transcript NM_005861.4 (MANE Select); 53 bases into the intron after coding-DNA position 612, G replaced by A.
Molecular consequence: intron variant. On other transcripts: 3 prime UTR variant (5), non-coding transcript variant (3).
Genome position (GRCh38, 1-based): chr16:681,933, G>A. VCF-style: chr16-681933-G-A. GRCh37 (hg19) VCF-style: chr16-731933-G-A.
Other names: c.*861C>T (NM_001005920.4, NM_001323919.3, NM_001323920.3); c.*895C>T (NM_001323918.3, NM_001323922.3); c.396+53G>A (NM_001293197.2).
Identifiers: ClinVar variation 1707113 (VCV001707113.2), dbSNP rs41292279, ClinGen allele CA7786707.

ClinVar aggregate classification (germline): Likely benign (1 of 4 stars; one submission).

Allele frequency attached by ClinVar (database versions not stated): 1000 Genomes Project 0.00519; 1000 Genomes Project 30x 0.00531; gnomAD 0.00856; ExAC 0.00885; TOPMed 0.00934.
gnomAD v4.1: 18,697 of 1,611,756 alleles (1.2%); highest among the groups gnomAD compares: Non-Finnish European, 1.4%; 116 homozygotes.

Submission:

GeneDx
Classification: Likely benign. Last evaluated: 2021-05-16. Review status: criteria provided, single submitter. Criteria: GeneDx Variant Classification Process June 2021. Collection method: clinical testing. Allele origin: germline. Affected: yes.
Comment: See Variant Classification Assertion Criteria.